The following is an entry in ClinVar:

NM_001042492.3(NF1):c.1587C>T (p.Leu529=)

Gene: NF1 (neurofibromin 1; plus strand). Cytogenetic location: 17q11.2.
Variant type: single nucleotide variant.
Coding change: c.1587C>T on transcript NM_001042492.3 (MANE Select); coding-DNA position 1587, C replaced by T.
Protein change: p.Leu529=; no amino-acid change (leucine 529 retained).
Molecular consequence: synonymous variant.
Genome position (GRCh38, 1-based): chr17:31,219,064, C>T. VCF-style: chr17-31219064-C-T. GRCh37 (hg19) VCF-style: chr17-29546082-C-T.
Other names: c.1587C>T, p.Leu529= (NM_000267.4, NM_001128147.3).
Identifiers: ClinVar variation 186560 (VCV000186560.15), dbSNP rs786203041, ClinGen allele CA195175.

ClinVar aggregate classification (germline): Benign/Likely benign. Review status: criteria provided, multiple submitters, no conflicts (2 of 4 stars). 6 submissions from 6 submitters: Benign (1); Likely benign (5). Last evaluated 2026-05-15.

Conditions:
Hereditary cancer-predisposing syndrome. Also called: Tumor predisposition; Neoplastic Syndromes, Hereditary; Hereditary neoplastic syndrome; Hereditary Cancer Syndrome. Identifiers: Orphanet 140162, MedGen C0027672, MeSH D009386, MONDO:0015356.
Neurofibromatosis, type 1 (NF1). Also called: NEUROFIBROMATOSIS, TYPE I, SOMATIC; Peripheral type neurofibromatosis; VON RECKLINGHAUSEN DISEASE; Neurofibromatosis, type I. Identifiers: Orphanet 636, MedGen C0027831, MONDO:0018975, OMIM 162200. Disease mechanism: loss of function.

Allele frequency attached by ClinVar (database versions not stated): TOPMed below 0.00001; gnomAD 0.00001; gnomAD exomes 0.00001.
gnomAD v4.1: 20 of 1,613,682 alleles (0.0012%); highest among the groups gnomAD compares: South Asian, 0.0022%; no homozygotes.

Submissions (6):

Myriad Genetics, Inc.
Classification: Benign for Neurofibromatosis, type 1. Last evaluated: 2026-05-15. Review status: criteria provided, single submitter. Criteria: Myriad Autosomal Dominant, Autosomal Recessive and X-Linked Classification Criteria (2023). Collection method: clinical testing. Allele origin: unknown.
Comment: This variant is considered benign. This variant is a silent/synonymous amino acid change and it is not expected to impact splicing.

Labcorp Genetics (formerly Invitae), Labcorp
Classification: Likely benign for Neurofibromatosis, type 1. Last evaluated: 2026-01-02. Review status: criteria provided, single submitter. Criteria: Invitae Variant Classification Sherloc (09022015). Collection method: clinical testing. Allele origin: germline.

Genome-Nilou Lab
Classification: Likely benign for Neurofibromatosis, type 1. Last evaluated: 2022-03-15. Review status: criteria provided, single submitter. Criteria: ACMG Guidelines, 2015. Collection method: clinical testing. Allele origin: germline. Affected: no.

Blueprint Genetics
Classification: Likely benign. Last evaluated: 2020-05-04. Review status: criteria provided, single submitter. Criteria: ACMG Guidelines, 2015. Collection method: clinical testing. Allele origin: germline.

GeneDx
Classification: Likely benign. Last evaluated: 2017-09-27. Review status: criteria provided, single submitter. Criteria: GeneDx Variant Classification (06012015). Collection method: clinical testing. Allele origin: germline. Affected: yes.
Comment: This variant is considered likely benign or benign based on one or more of the following criteria: it is a conservative change, it occurs at a poorly conserved position in the protein, it is predicted to be benign by multiple in silico algorithms, and/or has population frequency not consistent with disease.

Ambry Genetics
Classification: Likely benign for Hereditary cancer-predisposing syndrome. Last evaluated: 2014-10-20. Review status: criteria provided, single submitter. Criteria: Ambry Autosomal Dominant and X-Linked criteria (10/2015). Collection method: clinical testing. Allele origin: germline. Observed: 1 variant allele.